The following is an entry in ClinVar:

ClinVar aggregate classification (germline): Uncertain significance. Review status: criteria provided, multiple submitters, no conflicts (2 of 4 stars). 2 submissions from 2 submitters: Uncertain significance (2). Last evaluated 2024-01-05.

Conditions:
Familial thoracic aortic aneurysm and aortic dissection (TAAD). Also called: Thoracic aortic aneurysms and dissections. Identifiers: Orphanet 91387, MedGen C4707243, MONDO:0019625.

Allele frequency attached by ClinVar (database versions not stated): gnomAD exomes below 0.00001.
gnomAD v4.1: 1 of 1,613,780 alleles (0.000062%); highest among the groups gnomAD compares: Non-Finnish European, 0.000085%; no homozygotes.

Submissions (2):

Labcorp Genetics (formerly Invitae), Labcorp
Classification: Uncertain significance for Familial thoracic aortic aneurysm and aortic dissection. Last evaluated: 2024-01-05. Review status: criteria provided, single submitter. Criteria: Invitae Variant Classification Sherloc (09022015). Collection method: clinical testing. Allele origin: germline.
Comment: This sequence change replaces leucine, which is neutral and non-polar, with phenylalanine, which is neutral and non-polar, at codon 495 of the TGFBR1 protein (p.Leu495Phe). This variant is not present in population databases (gnomAD no frequency). This variant has not been reported in the literature in individuals affected with TGFBR1-related conditions. Advanced modeling of protein sequence and biophysical properties (such as structural, functional, and spatial information, amino acid conservation, physicochemical variation, residue mobility, and thermodynamic stability) performed at Invitae indicates that this missense variant is not expected to disrupt TGFBR1 protein function with a negative predictive value of 80%. In summary, the available evidence is currently insufficient to determine the role of this variant in disease. Therefore, it has been classified as a Variant of Uncertain Significance.

Blueprint Genetics
Classification: Uncertain significance. Last evaluated: 2023-02-17. Review status: criteria provided, single submitter. Criteria: ACMG Guidelines, 2015. Collection method: clinical testing. Allele origin: germline.

NM_004612.4(TGFBR1):c.1483C>T (p.Leu495Phe)

Gene: TGFBR1 (transforming growth factor beta receptor 1; plus strand). Cytogenetic location: 9q22.33.
Variant type: single nucleotide variant.
Coding change: c.1483C>T on transcript NM_004612.4 (MANE Select); coding-DNA position 1483, C replaced by T.
Protein change: p.Leu495Phe; replaces leucine 495 with phenylalanine.
Molecular consequence: missense variant. On other transcripts: non-coding transcript variant (4).
Genome position (GRCh38, 1-based): chr9:99,149,276, C>T. VCF-style: chr9-99149276-C-T. GRCh37 (hg19) VCF-style: chr9-101911558-C-T.
Other names: c.1252C>T, p.Leu418Phe (NM_001130916.3, NM_001407435.1); c.1495C>T, p.Leu499Phe (NM_001306210.2); c.1327C>T, p.Leu443Phe (NM_001407416.1); c.1315C>T, p.Leu439Phe (NM_001407417.1); c.1288C>T, p.Leu430Phe (NM_001407418.1, NM_001407419.1, NM_001407420.1 and 1 more transcripts); c.1276C>T, p.Leu426Phe (NM_001407423.1, NM_001407424.1, NM_001407425.1 and 8 more transcripts); c.1237C>T, p.Leu413Phe (NM_001407436.1); c.775C>T, p.Leu259Phe (NM_001407437.1); and 1 more; short protein forms L336F, L418F, L430F, L413F, L439F, L443F, L495F, L259F.
Identifiers: ClinVar variation 2901533 (VCV002901533.4), dbSNP rs1564178651, ClinGen allele CA374233803.
Genomic context (GRCh38, chr9:99,149,276, plus strand): 5'-TGGTATGCCAATGGAGCAGCTAGGCTTACAGCATTGCGGATTAAGAAAACATTATCGCAA[C>T]TCAGTCAACAGGAAGGCATCAAAATGTAATTCTACAGCTTTGCCTGAACTCTCCTTTTTT-3'
Protein context (NP_004603.1, residues 485-503): ALRIKKTLSQ[Leu495Phe]SQQEGIKM